The following is an entry in ClinVar:

NM_000051.4(ATM):c.8993T>A (p.Ile2998Asn)

Genes: ATM (ATM serine/threonine kinase; plus strand), C11orf65 (chromosome 11 open reading frame 65; minus strand). Cytogenetic location: 11q22.3.
Variant type: single nucleotide variant.
Coding change: c.8993T>A on transcript NM_000051.4 (MANE Select); coding-DNA position 8993, T replaced by A.
Protein change: p.Ile2998Asn; replaces isoleucine 2998 with asparagine.
Molecular consequence: missense variant. On other transcripts: intron variant (2).
Genome position (GRCh38, 1-based): chr11:108,365,330, T>A. VCF-style: chr11-108365330-T-A. GRCh37 (hg19) VCF-style: chr11-108236057-T-A.
Other names: c.8993T>A, p.Ile2998Asn (NM_001351834.2); c.640+20590A>T (NM_001330368.2); c.694+20590A>T (NM_001351110.2); short protein forms I2998N.
Identifiers: ClinVar variation 1038776 (VCV001038776.9), dbSNP rs778670498, ClinGen allele CA382530792.

ClinVar aggregate classification (germline): Uncertain significance (1 of 4 stars; one submission).

Conditions:
Ataxia-telangiectasia syndrome (AT). Also called: Ataxia telangiectasia (A-T); ATAXIA-TELANGIECTASIA, COMPLEMENTATION GROUP A; ATAXIA-TELANGIECTASIA, FRESNO VARIANT; Ataxia-telangiectasia; Ataxia-telangiectasia, complementation group E; LOUIS-BAR SYNDROME. Identifiers: Orphanet 100, MedGen C0004135, MONDO:0008840, OMIM 208900.

Submission:

Labcorp Genetics (formerly Invitae), Labcorp
Classification: Uncertain significance for Ataxia-telangiectasia syndrome. Last evaluated: 2020-03-05. Review status: criteria provided, single submitter. Criteria: Invitae Variant Classification Sherloc (09022015). Collection method: clinical testing. Allele origin: germline.
Comment: In summary, the available evidence is currently insufficient to determine the role of this variant in disease. Therefore, it has been classified as a Variant of Uncertain Significance. This variant has not been reported in the literature in individuals with ATM-related conditions. Algorithms developed to predict the effect of missense changes on protein structure and function (SIFT, PolyPhen-2, Align-GVGD) all suggest that this variant is likely to be tolerated, but these predictions have not been confirmed by published functional studies and their clinical significance is uncertain. This variant is not present in population databases (ExAC no frequency). This sequence change replaces isoleucine with asparagine at codon 2998 of the ATM protein (p.Ile2998Asn). The isoleucine residue is weakly conserved and there is a large physicochemical difference between isoleucine and asparagine.